The following is an entry in ClinVar:

ClinVar aggregate classification (germline): Likely benign (1 of 4 stars; one submission).

gnomAD v4.1: 47 of 1,610,274 alleles (0.0029%); highest among the groups gnomAD compares: African/African-American, 0.043%; no homozygotes.

Submission:

CeGaT Center for Human Genetics Tuebingen
Classification: Likely benign. Last evaluated: 2026-04-01. Review status: criteria provided, single submitter. Criteria: CeGaT Center For Human Genetics Tuebingen Variant Classification Criteria Version 2. Collection method: clinical testing. Allele origin: germline. Affected: yes. Observed: 1 variant allele.
Comment: CUX2: BP4, BP7

NM_015267.4(CUX2):c.1914G>A (p.Pro638=)

Gene: CUX2 (cut like homeobox 2; plus strand). Cytogenetic location: 12q24.12.
Variant type: single nucleotide variant.
Coding change: c.1914G>A on transcript NM_015267.4 (MANE Select); coding-DNA position 1914, G replaced by A.
Protein change: p.Pro638=; no amino-acid change (proline 638 retained).
Molecular consequence: synonymous variant.
Genome position (GRCh38, 1-based): chr12:111,312,113, G>A. VCF-style: chr12-111312113-G-A. GRCh37 (hg19) VCF-style: chr12-111749917-G-A.
Other names: c.1728G>A, p.Pro576= (NM_001370598.1).
Identifiers: ClinVar variation 4873876 (VCV004873876.2).
Genomic context (GRCh38, chr12:111,312,113, plus strand): 5'-GAGCCCAACATGCAGATCCTGCCACAGATGCCTTCTTGCCTCCCCAGGCAGCATCACCCC[G>A]AGAATCCGCACGCCTGAGACAGGCTCAGACGACGCCATCAAGAGCATTCTAGAGCAGGCC-3'
Protein context (NP_056082.2, residues 628-648): IQVRQRGSIT[Pro638=]RIRTPETGSD